The following is an entry in ClinVar:

NM_003919.3(SGCE):c.1180A>G (p.Thr394Ala)

Genes: CASD1 (CAS1 domain sialic acid O acetyltransferase 1; plus strand), SGCE (sarcoglycan epsilon; minus strand). Cytogenetic location: 7q21.3.
Variant type: single nucleotide variant.
Coding change: c.1180A>G on transcript NM_003919.3 (MANE Select); coding-DNA position 1180, A replaced by G.
Protein change: p.Thr394Ala; replaces threonine 394 with alanine.
Molecular consequence: missense variant.
Genome position (GRCh38, 1-based): chr7:94,598,848, T>C on the plus strand (A>G on the coding strand, the complement: SGCE is on the minus strand). VCF-style: chr7-94598848-T-C. GRCh37 (hg19) VCF-style: chr7-94228160-T-C.
Other names: c.1153A>G, p.Thr385Ala (NM_001099400.2, NM_001346717.2); c.1180A>G, p.Thr394Ala (NM_001099401.2); c.1057A>G, p.Thr353Ala (NM_001301139.2); c.1288A>G, p.Thr430Ala (NM_001346713.2); c.1261A>G, p.Thr421Ala (NM_001346715.2); c.1093A>G, p.Thr365Ala (NM_001346719.2); c.907A>G, p.Thr303Ala (NM_001346720.2); c.1066A>G, p.Thr356Ala (NM_001362807.2); and 2 more; short protein forms T303A, T365A, T394A, T344A, T353A, T356A, T385A, T430A.
Identifiers: ClinVar variation 4781882 (VCV004781882.1).
Genomic context (GRCh38, chr7:94,598,848, plus strand): 5'-TCAATGGCATGTTTGTGCTATCATAGTTGTCTGTGTGTAAAGGAGGTATGATTTCCCCAG[T>C]CACAGGGTGGAACACAGGAAGCGTTGACAGGGGCCATGCTATCTCTCTATTCTTGGACAT-3'
Protein context (NP_003910.1, residues 384-404): LSTLPVFHPV[Thr394Ala]GEIIPPLHTD

ClinVar aggregate classification (germline): Uncertain significance (1 of 4 stars; one submission).

Conditions:
Myoclonic dystonia 11 (DYT11). Also called: SGCE Myoclonus-Dystonia; Myoclonus-Dystonia; DYT-SGCE; Myoclonic dystonia; Dystonia 11; Dystonia, alcohol responsive. Identifiers: Orphanet 36899, MedGen C1834570, MONDO:0008044, OMIM 159900.

gnomAD v4.1: 1 of 1,613,298 alleles (0.000062%); highest among the groups gnomAD compares: Non-Finnish European, 0.000085%; no homozygotes.

Submission:

Labcorp Genetics (formerly Invitae), Labcorp
Classification: Uncertain significance for Myoclonic dystonia 11. Last evaluated: 2025-02-09. Review status: criteria provided, single submitter. Criteria: Invitae Variant Classification Sherloc (09022015). Collection method: clinical testing. Allele origin: germline.
Comment: This sequence change replaces threonine, which is neutral and polar, with alanine, which is neutral and non-polar, at codon 394 of the SGCE protein (p.Thr394Ala). This variant is not present in population databases (gnomAD no frequency). This variant has not been reported in the literature in individuals affected with SGCE-related conditions. Invitae Evidence Modeling of protein sequence and biophysical properties (such as structural, functional, and spatial information, amino acid conservation, physicochemical variation, residue mobility, and thermodynamic stability) indicates that this missense variant is not expected to disrupt SGCE protein function with a negative predictive value of 80%. In summary, the available evidence is currently insufficient to determine the role of this variant in disease. Therefore, it has been classified as a Variant of Uncertain Significance.